The following is an entry in ClinVar:

NM_001267550.2(TTN):c.93835A>G (p.Met31279Val)

Genes: TTN (titin; minus strand), TTN-AS1 (TTN antisense RNA 1; plus strand). Cytogenetic location: 2q31.2.
Variant type: single nucleotide variant.
Coding change: c.93835A>G on transcript NM_001267550.2 (MANE Select); coding-DNA position 93835, A replaced by G.
Protein change: p.Met31279Val; replaces methionine 31279 with valine.
Molecular consequence: missense variant.
Genome position (GRCh38, 1-based): chr2:178,547,791, T>C on the plus strand (A>G on the coding strand, the complement: TTN is on the minus strand). VCF-style: chr2-178547791-T-C. GRCh37 (hg19) VCF-style: chr2-179412518-T-C.
Other names: c.88912A>G, p.Met29638Val (NM_001256850.1); c.66640A>G, p.Met22214Val (NM_003319.4); c.86131A>G, p.Met28711Val (NM_133378.4); c.67015A>G, p.Met22339Val (NM_133432.3); c.67216A>G, p.Met22406Val (NM_133437.4); short protein forms M22214V, M22339V, M28711V, M29638V, M22406V, M31279V.
Identifiers: ClinVar variation 1754745 (VCV001754745.3), dbSNP rs765117891, ClinGen allele CA60973052.
Genomic context (GRCh38, chr2:178,547,791, plus strand): 5'-ATGTTTTAACACCAGCTGTATTTTCCAGGGTCAAGAAGTATCTTCCAGAGTCACCTCTCA[T>C]GCTGTCCTTTACAGTCAGTGTGGTTCTGTCTTTTGTTGTTGTAATGCTCACTCGATCTGT-3'
Protein context (NP_001254479.2, residues 31269-31289): DRTTLTVKDS[Met31279Val]RGDSGRYFLT

ClinVar aggregate classification (germline): Uncertain significance. Review status: criteria provided, multiple submitters, no conflicts (2 of 4 stars). 2 submissions from 2 submitters: Uncertain significance (2). Last evaluated 2025-09-23.

Conditions:
TTN-related disorder. Also called: TTN-related disorders; TTN-related condition; TTN-related disease.
Cardiovascular phenotype. Identifiers: MedGen CN230736.

Allele frequency attached by ClinVar (database versions not stated): gnomAD 0.00001; TOPMed 0.00002.
gnomAD v4.1: 12 of 1,613,822 alleles (0.00074%); highest among the groups gnomAD compares: African/African-American, 0.0013%; no homozygotes.

Submissions (2):

PreventionGenetics, part of Exact Sciences
Classification: Uncertain significance for TTN-related condition. Last evaluated: 2025-09-23. Review status: criteria provided, single submitter. Criteria: ACMG Guidelines, 2015. Collection method: clinical testing. Allele origin: germline.
Comment: The TTN c.93835A>G variant is predicted to result in the amino acid substitution p.Met31279Val. To our knowledge, this variant has not been reported in the literature. This variant is reported in 0.011% of alleles in individuals of African descent in gnomAD. At this time, the clinical significance of this variant is uncertain due to the absence of conclusive functional and genetic evidence.

Ambry Genetics
Classification: Uncertain significance for Cardiovascular phenotype. Last evaluated: 2020-09-16. Review status: criteria provided, single submitter. Criteria: Ambry Variant Classification Scheme 2023. Collection method: clinical testing. Allele origin: germline.
Comment: The p.M22214V variant (also known as c.66640A>G), located in coding exon 166 of the TTN gene, results from an A to G substitution at nucleotide position 66640. The methionine at codon 22214 is replaced by valine, an amino acid with highly similar properties. This amino acid position is well conserved in available vertebrate species. In addition, the in silico prediction for this alteration is inconclusive. Since supporting evidence is limited at this time, the clinical significance of this alteration remains unclear.